The following is an entry in ClinVar:

NM_004311.4(ARL3):c.352T>C (p.Cys118Arg)

Gene: ARL3 (ARF like GTPase 3; minus strand). Cytogenetic location: 10q24.32.
Variant type: single nucleotide variant.
Coding change: c.352T>C on transcript NM_004311.4 (MANE Select); coding-DNA position 352, T replaced by C.
Protein change: p.Cys118Arg; replaces cysteine 118 with arginine.
Molecular consequence: missense variant.
Genome position (GRCh38, 1-based): chr10:102,685,965, A>G on the plus strand (T>C on the coding strand, the complement: ARL3 is on the minus strand). VCF-style: chr10-102685965-A-G. GRCh37 (hg19) VCF-style: chr10-104445722-A-G.
Other names: short protein forms C118R.
Identifiers: ClinVar variation 2717766 (VCV002717766.3), dbSNP rs2492951283, ClinGen allele CA377920632.

ClinVar aggregate classification (germline): Uncertain significance (1 of 4 stars; one submission).

Submission:

Labcorp Genetics (formerly Invitae), Labcorp
Classification: Uncertain significance. Last evaluated: 2023-06-25. Review status: criteria provided, single submitter. Criteria: Invitae Variant Classification Sherloc (09022015). Collection method: clinical testing. Allele origin: germline.
Comment: In summary, the available evidence is currently insufficient to determine the role of this variant in disease. Therefore, it has been classified as a Variant of Uncertain Significance. An algorithm developed to predict the effect of missense changes on protein structure and function (PolyPhen-2) suggests that this variant is likely to be tolerated. This variant has not been reported in the literature in individuals affected with ARL3-related conditions. This variant is not present in population databases (gnomAD no frequency). This sequence change replaces cysteine, which is neutral and slightly polar, with arginine, which is basic and polar, at codon 118 of the ARL3 protein (p.Cys118Arg).